The following is an entry in ClinVar:

NM_014845.6(FIG4):c.2496C>G (p.Asp832Glu)

Gene: FIG4 (FIG4 phosphoinositide 5-phosphatase; plus strand). Cytogenetic location: 6q21.
Variant type: single nucleotide variant.
Coding change: c.2496C>G on transcript NM_014845.6 (MANE Select); coding-DNA position 2496, C replaced by G.
Protein change: p.Asp832Glu; replaces aspartic acid 832 with glutamic acid.
Molecular consequence: missense variant.
Genome position (GRCh38, 1-based): chr6:109,796,801, C>G. VCF-style: chr6-109796801-C-G. GRCh37 (hg19) VCF-style: chr6-110118004-C-G.
Other names: short protein forms D832E.
Identifiers: ClinVar variation 3898045 (VCV003898045.1).

ClinVar aggregate classification (germline): Uncertain significance (1 of 4 stars; one submission).

Conditions:
Yunis-Varon syndrome (YVS). Also called: Cleidocranial dysplasia, micrognathia, absent thumbs, & distal aphalangia. Identifiers: Orphanet 3472, MedGen C1857663, MONDO:0008995, OMIM 216340.

gnomAD v4.1: 2 of 1,612,176 alleles (0.00012%); highest among the groups gnomAD compares: Non-Finnish European, 0.00017%; no homozygotes.

Submission:

Neuberg Centre For Genomic Medicine, NCGM
Classification: Uncertain significance for Yunis-Varon syndrome. Last evaluated: 2024-02-01. Review status: criteria provided, single submitter. Criteria: ACMG Guidelines, 2015. Collection method: clinical testing. Allele origin: germline. Inheritance: Autosomal recessive inheritance.
Comment: he above variant has not been reported previously as a pathogenic variant nor as a benign variant, to our knowledge.